The following is an entry in ClinVar:

NM_001844.5(COL2A1):c.2063A>G (p.Glu688Gly)

Gene: COL2A1 (collagen type II alpha 1 chain; minus strand). Cytogenetic location: 12q13.11.
Variant type: single nucleotide variant.
Coding change: c.2063A>G on transcript NM_001844.5 (MANE Select); coding-DNA position 2063, A replaced by G.
Protein change: p.Glu688Gly; replaces glutamic acid 688 with glycine.
Molecular consequence: missense variant.
Genome position (GRCh38, 1-based): chr12:47,983,124, T>C on the plus strand (A>G on the coding strand, the complement: COL2A1 is on the minus strand). VCF-style: chr12-47983124-T-C. GRCh37 (hg19) VCF-style: chr12-48376907-T-C.
Other names: c.1856A>G, p.Glu619Gly (NM_033150.3); short protein forms E688G, E619G.
Identifiers: ClinVar variation 1494342 (VCV001494342.6), dbSNP rs750867405, ClinGen allele CA6535253.

ClinVar aggregate classification (germline): Uncertain significance (1 of 4 stars; one submission).

Allele frequency attached by ClinVar (database versions not stated): ExAC 0.00005; TOPMed below 0.00001; gnomAD exomes 0.00002.
gnomAD v4.1: 11 of 1,613,852 alleles (0.00068%); highest among the groups gnomAD compares: Non-Finnish European, 0.00076%; no homozygotes.

Submission:

Labcorp Genetics (formerly Invitae), Labcorp
Classification: Uncertain significance. Last evaluated: 2025-12-08. Review status: criteria provided, single submitter. Criteria: Invitae Variant Classification Sherloc (09022015). Collection method: clinical testing. Allele origin: germline.
Comment: This sequence change replaces glutamic acid, which is acidic and polar, with glycine, which is neutral and non-polar, at codon 688 of the COL2A1 protein (p.Glu688Gly). This variant is present in population databases (rs750867405, gnomAD 0.005%). This variant has not been reported in the literature in individuals affected with COL2A1-related conditions. ClinVar contains an entry for this variant (Variation ID: 1494342). Invitae Evidence Modeling of protein sequence and biophysical properties (such as structural, functional, and spatial information, amino acid conservation, physicochemical variation, residue mobility, and thermodynamic stability) has been performed for this missense variant. However, the output from this modeling did not meet the statistical confidence thresholds required to predict the impact of this variant on COL2A1 protein function. In summary, the available evidence is currently insufficient to determine the role of this variant in disease. Therefore, it has been classified as a Variant of Uncertain Significance.